The following is an entry in ClinVar:

NM_017617.5(NOTCH1):c.1870G>A (p.Ala624Thr)

Gene: NOTCH1 (notch receptor 1; minus strand). Cytogenetic location: 9q34.3.
Variant type: single nucleotide variant.
Coding change: c.1870G>A on transcript NM_017617.5 (MANE Select); coding-DNA position 1870, G replaced by A.
Protein change: p.Ala624Thr; replaces alanine 624 with threonine.
Molecular consequence: missense variant.
Genome position (GRCh38, 1-based): chr9:136,515,516, C>T on the plus strand (G>A on the coding strand, the complement: NOTCH1 is on the minus strand). VCF-style: chr9-136515516-C-T. GRCh37 (hg19) VCF-style: chr9-139409968-C-T.
Other names: c.1870G>A, p.Ala624Thr (LRG_1122t1); short protein forms A624T.
Identifiers: ClinVar variation 429324 (VCV000429324.8), dbSNP rs372771179, ClinGen allele CA5341605.

ClinVar aggregate classification (germline): Conflicting classifications of pathogenicity. Review status: criteria provided, conflicting classifications (1 of 4 stars). 3 submissions from 3 submitters: Uncertain significance (2); Likely benign (1). Last evaluated 2025-05-08.

Conditions:
Familial thoracic aortic aneurysm and aortic dissection (TAAD). Also called: Thoracic aortic aneurysms and dissections. Identifiers: Orphanet 91387, MedGen C4707243, MONDO:0019625.
Adams-Oliver syndrome 5 (AOS5). Identifiers: Orphanet 974, MedGen C4014970, MONDO:0014459, OMIM 616028.

Allele frequency attached by ClinVar (database versions not stated): gnomAD exomes 0.00001 and 0.00002; ExAC 0.00004; TOPMed 0.00006; gnomAD 0.00007 and 0.00008; ESP Exome Variant Server 0.00008.
gnomAD v4.1: 25 of 1,611,808 alleles (0.0016%); highest among the groups gnomAD compares: African/African-American, 0.016%; no homozygotes.

Submissions (3):

Ambry Genetics
Classification: Uncertain significance for Familial thoracic aortic aneurysm and aortic dissection. Last evaluated: 2025-05-08. Review status: criteria provided, single submitter. Criteria: Ambry Variant Classification Scheme 2023. Collection method: clinical testing. Allele origin: germline.
Comment: The p.A624T variant (also known as c.1870G>A), located in coding exon 11 of the NOTCH1 gene, results from a G to A substitution at nucleotide position 1870. The alanine at codon 624 is replaced by threonine, an amino acid with similar properties. This amino acid position is conserved. In addition, this alteration is predicted to be tolerated by in silico analysis. Since supporting evidence is limited at this time, the clinical significance of this alteration remains unclear.

Labcorp Genetics (formerly Invitae), Labcorp
Classification: Likely benign for Adams-Oliver syndrome 5. Last evaluated: 2024-08-06. Review status: criteria provided, single submitter. Criteria: Invitae Variant Classification Sherloc (09022015). Collection method: clinical testing. Allele origin: germline.

GeneDx
Classification: Uncertain significance. Last evaluated: 2019-01-08. Review status: criteria provided, single submitter. Criteria: GeneDx Variant Classification (06012015). Collection method: clinical testing. Allele origin: germline. Affected: yes.
Comment: The A624T variant of uncertain significance in the NOTCH1 gene has not been published as pathogenic or been reported as benign to our knowledge. This variant is observed in 5/23,728 (0.02%) alleles from individuals of African ancestry in large population cohorts (Lek et al., 2016). A624T is a non-conservative amino acid substitution, which is likely to impact secondary protein structure as these residues differ in polarity, charge, size and/or other properties. However, in-silico analyses, including protein predictors and evolutionary conservation, support that this variant does not alter protein structure/function. Additional evidence is needed to clarify the pathogenicity of this variant, including observation in a significant number of affected individuals, segregation data, and functional evidence.Therefore, based on the currently available information, it is unclear whether this variant is pathogenic or benign.